The following is an entry in ClinVar:

ClinVar aggregate classification (germline): Uncertain significance. Review status: criteria provided, multiple submitters, no conflicts (2 of 4 stars). 4 submissions from 4 submitters: Uncertain significance (3). 1 of the submissions does not count toward it. Last evaluated 2025-05-08.

Conditions:
Long chain 3-hydroxyacyl-CoA dehydrogenase deficiency. Also called: Deficiency of long-chain 3-hydroxyacyl-coenzyme A dehydrogenase; LCHAD Deficiency. Identifiers: Orphanet 5, MedGen C3711645, MONDO:0012173, OMIM 609016.
Mitochondrial trifunctional protein deficiency. Identifiers: Orphanet 746, MedGen C1969443, MONDO:0012172.
HADHA-related disorder. Also called: HADHA-related condition; HADHA-related disorders.

Allele frequency attached by ClinVar (database versions not stated): gnomAD 0.00001; gnomAD exomes 0.00001; TOPMed 0.00001; ExAC 0.00002.
gnomAD v4.1: 13 of 1,613,596 alleles (0.00081%); highest among the groups gnomAD compares: Admixed American, 0.005%; no homozygotes.

Submissions (4):

GeneDx
Classification: Uncertain significance. Last evaluated: 2025-05-08. Review status: criteria provided, single submitter. Criteria: GeneDx Variant Classification Process June 2021. Collection method: clinical testing. Allele origin: germline. Affected: yes.
Comment: Not observed at significant frequency in large population cohorts (gnomAD); In silico analysis supports that this missense variant has a deleterious effect on protein structure/function; Has not been previously published as pathogenic or benign to our knowledge

Mayo Clinic Laboratories, Mayo Clinic
Classification: Uncertain significance. Last evaluated: 2023-09-13. Review status: criteria provided, single submitter. Criteria: ACMG Guidelines, 2015. Collection method: clinical testing. Allele origin: germline. Observed: 1 variant allele.
Comment: PP3

Labcorp Genetics (formerly Invitae), Labcorp
Classification: Uncertain significance for Mitochondrial trifunctional protein deficiency; Long chain 3-hydroxyacyl-CoA dehydrogenase deficiency. Last evaluated: 2022-07-08. Review status: criteria provided, single submitter. Criteria: Invitae Variant Classification Sherloc (09022015). Collection method: clinical testing. Allele origin: germline.
Comment: This sequence change replaces alanine, which is neutral and non-polar, with threonine, which is neutral and polar, at codon 377 of the HADHA protein (p.Ala377Thr). This variant is present in population databases (rs761474139, gnomAD 0.009%). This variant has not been reported in the literature in individuals affected with HADHA-related conditions. Advanced modeling of protein sequence and biophysical properties (such as structural, functional, and spatial information, amino acid conservation, physicochemical variation, residue mobility, and thermodynamic stability) performed at Invitae indicates that this missense variant is expected to disrupt HADHA protein function. In summary, the available evidence is currently insufficient to determine the role of this variant in disease. Therefore, it has been classified as a Variant of Uncertain Significance.

PreventionGenetics, part of Exact Sciences
Classification: Uncertain significance for HADHA-related condition. Last evaluated: 2024-05-13. Review status: no assertion criteria provided. Collection method: clinical testing. Allele origin: germline. Not counted in ClinVar's aggregate classification.
Comment: The HADHA c.1129G>A variant is predicted to result in the amino acid substitution p.Ala377Thr. To our knowledge, this variant has not been reported in the literature. This variant is reported in 0.0058% of alleles in individuals of Latino descent in gnomAD. At this time, the clinical significance of this variant is uncertain due to the absence of conclusive functional and genetic evidence.

NM_000182.5(HADHA):c.1129G>A (p.Ala377Thr)

Genes: GAREM2 (GRB2 associated regulator of MAPK1 subtype 2; plus strand), HADHA (hydroxyacyl-CoA dehydrogenase trifunctional multienzyme complex subunit alpha; minus strand). Cytogenetic location: 2p23.3.
Variant type: single nucleotide variant.
Coding change: c.1129G>A on transcript NM_000182.5 (MANE Select); coding-DNA position 1129, G replaced by A.
Protein change: p.Ala377Thr; replaces alanine 377 with threonine.
Molecular consequence: missense variant.
Genome position (GRCh38, 1-based): chr2:26,204,153, C>T on the plus strand (G>A on the coding strand, the complement: HADHA is on the minus strand). VCF-style: chr2-26204153-C-T. GRCh37 (hg19) VCF-style: chr2-26427022-C-T.
Other names: p.Ala377Thr; c.1129G>A (NM_000182.4); short protein forms A377T.
Identifiers: ClinVar variation 2150043 (VCV002150043.4), dbSNP rs761474139, ClinGen allele CA1559659.